The following is an entry in ClinVar:

NM_018051.5(DYNC2I1):c.1916T>C (p.Leu639Pro)

Gene: DYNC2I1 (dynein 2 intermediate chain 1; plus strand). Cytogenetic location: 7q36.3.
Variant type: single nucleotide variant.
Coding change: c.1916T>C on transcript NM_018051.5 (MANE Select); coding-DNA position 1916, T replaced by C.
Protein change: p.Leu639Pro; replaces leucine 639 with proline.
Molecular consequence: missense variant.
Genome position (GRCh38, 1-based): chr7:158,918,864, T>C. VCF-style: chr7-158918864-T-C. GRCh37 (hg19) VCF-style: chr7-158711555-T-C.
Other names: c.1778T>C, p.Leu593Pro (NM_001350914.2); c.1343T>C, p.Leu448Pro (NM_001350915.2); c.455T>C, p.Leu152Pro (NM_001350916.2); c.668T>C, p.Leu223Pro (NM_001350917.2, NM_001350918.2); short protein forms L152P, L223P, L448P, L593P, L639P.
Identifiers: ClinVar variation 1680695 (VCV001680695.6), dbSNP rs761412635, ClinGen allele CA370193669.

ClinVar aggregate classification (germline): Uncertain significance (1 of 4 stars; one submission).

Conditions:
Short-rib thoracic dysplasia 8 with or without polydactyly (SRTD8). Also called: SHORT-RIB THORACIC DYSPLASIA 8 WITH POLYDACTYLY. Identifiers: Orphanet 93271, MedGen C3809691, MONDO:0014214, OMIM 615503.

Submission:

Labcorp Genetics (formerly Invitae), Labcorp
Classification: Uncertain significance for Short-rib thoracic dysplasia 8 with or without polydactyly. Last evaluated: 2022-03-03. Review status: criteria provided, single submitter. Criteria: Invitae Variant Classification Sherloc (09022015). Collection method: clinical testing. Allele origin: germline.
Comment: In summary, the available evidence is currently insufficient to determine the role of this variant in disease. Therefore, it has been classified as a Variant of Uncertain Significance. Algorithms developed to predict the effect of missense changes on protein structure and function are either unavailable or do not agree on the potential impact of this missense change (SIFT: "Deleterious"; PolyPhen-2: "Possibly Damaging"; Align-GVGD: "Class C0"). This variant has not been reported in the literature in individuals affected with WDR60-related conditions. This variant is not present in population databases (gnomAD no frequency). This sequence change replaces leucine, which is neutral and non-polar, with proline, which is neutral and non-polar, at codon 639 of the WDR60 protein (p.Leu639Pro).